The following is an entry in ClinVar:

ClinVar aggregate classification (germline): Likely benign. Review status: criteria provided, multiple submitters, no conflicts (2 of 4 stars). 3 submissions from 3 submitters: Likely benign (3). Last evaluated 2025-12-10.

Allele frequency attached by ClinVar (database versions not stated): gnomAD exomes below 0.00001; TOPMed below 0.00001.
gnomAD v4.1: 7 of 1,614,154 alleles (0.00043%); highest among the groups gnomAD compares: Non-Finnish European, 0.00059%; no homozygotes.

Submissions (3):

Labcorp Genetics (formerly Invitae), Labcorp
Classification: Likely benign. Last evaluated: 2025-12-10. Review status: criteria provided, single submitter. Criteria: Invitae Variant Classification Sherloc (09022015). Collection method: clinical testing. Allele origin: germline.

CeGaT Center for Human Genetics Tuebingen
Classification: Likely benign. Last evaluated: 2024-02-01. Review status: criteria provided, single submitter. Criteria: CeGaT Center For Human Genetics Tuebingen Variant Classification Criteria Version 2. Collection method: clinical testing. Allele origin: germline. Affected: yes. Observed: 1 variant allele.
Comment: LRP2: PM2:Supporting, BP4, BP7

Blueprint Genetics
Classification: Likely benign. Last evaluated: 2023-05-12. Review status: criteria provided, single submitter. Criteria: ACMG Guidelines, 2015. Collection method: clinical testing. Allele origin: germline.

NM_004525.3(LRP2):c.11445G>A (p.Leu3815=)

Gene: LRP2 (LDL receptor related protein 2; minus strand). Cytogenetic location: 2q31.1.
Variant type: single nucleotide variant.
Coding change: c.11445G>A on transcript NM_004525.3 (MANE Select); coding-DNA position 11445, G replaced by A.
Protein change: p.Leu3815=; no amino-acid change (leucine 3815 retained).
Molecular consequence: synonymous variant.
Genome position (GRCh38, 1-based): chr2:169,169,754, C>T on the plus strand (G>A on the coding strand, the complement: LRP2 is on the minus strand). VCF-style: chr2-169169754-C-T. GRCh37 (hg19) VCF-style: chr2-170026264-C-T.
Identifiers: ClinVar variation 1562584 (VCV001562584.31), dbSNP rs1686925766, ClinGen allele CA429929281.